The following is an entry in ClinVar:

NM_020822.3(KCNT1):c.3072_3103dup (p.Glu1035fs)

Gene: KCNT1 (potassium sodium-activated channel subfamily T member 1; plus strand). Cytogenetic location: 9q34.3.
Variant type: Duplication.
Coding change: c.3072_3103dup on transcript NM_020822.3 (MANE Select); coding-DNA positions 3072 to 3103, 32 bases duplicated.
Protein change: p.Glu1035fs; shifts the reading frame from glutamic acid 1035.
Molecular consequence: frameshift variant.
Genome position (GRCh38, 1-based): chr9:135,784,805-135,784,836, 32 bases duplicated; duplicating any 32 consecutive bases within chr9:135,784,801-135,784,836 gives the same sequence; the c. name uses the placement nearest the transcript's 3' end. GRCh37 (hg19): chr9:138,676,651-138,676,682.
Other names: c.2937_2968dup, p.Glu990fs (NM_001272003.2); short protein forms E1035fs, E990fs.
Identifiers: ClinVar variation 3749286 (VCV003749286.2).
Genomic context (GRCh38, chr9:135,784,800, plus strand): 5'-CTCAGGGTTCCCACCCTGCAGATGAAAATCACCGAGGGCGACCTGTGGATCCGCACGTAC[G>GGCCGCCTCTTCCAGAAGCTCTGCTCCTCCAGC]GCCGCCTCTTCCAGAAGCTCTGCTCCTCCAGCGCCGAGATCCCCATTGGCATCTACCGGA-3'

ClinVar aggregate classification (germline): Uncertain significance (1 of 4 stars; one submission).

Conditions:
Autosomal dominant nocturnal frontal lobe epilepsy 5. Also called: Epilepsy, nocturnal frontal lobe, 5; CILIARY DYSKINESIA, PRIMARY, 28, WITHOUT SITUS INVERSUS; CILIARY DYSKINESIA, PRIMARY, 28, WITH SITUS INVERSUS; KCNT1-Related Epilepsy. Identifiers: Orphanet 98784, MedGen C3554306, MONDO:0014002, OMIM 615005.
Developmental and epileptic encephalopathy, 14 (DEE14). Also called: Early infantile epileptic encephalopathy 14. Identifiers: Orphanet 293181, MedGen C3554195, MONDO:0013989, OMIM 614959.

Submission:

Labcorp Genetics (formerly Invitae), Labcorp
Classification: Uncertain significance for Autosomal dominant nocturnal frontal lobe epilepsy 5; Developmental and epileptic encephalopathy, 14. Last evaluated: 2025-02-06. Review status: criteria provided, single submitter. Criteria: Invitae Variant Classification Sherloc (09022015). Collection method: clinical testing. Allele origin: germline.
Comment: This sequence change creates a premature translational stop signal (p.Glu1035Alafs*41) in the KCNT1 gene. It is expected to result in an absent or disrupted protein product. However, the current clinical and genetic evidence is not sufficient to establish whether loss-of-function variants in KCNT1 cause disease. This variant is not present in population databases (gnomAD no frequency). This variant has not been reported in the literature in individuals affected with KCNT1-related conditions. In summary, the available evidence is currently insufficient to determine the role of this variant in disease. Therefore, it has been classified as a Variant of Uncertain Significance.